The following is an entry in ClinVar:

NM_153252.5(BRWD3):c.1792C>G (p.Pro598Ala)

Gene: BRWD3 (bromodomain and WD repeat domain containing 3; minus strand). Cytogenetic location: Xq21.1.
Variant type: single nucleotide variant.
Coding change: c.1792C>G on transcript NM_153252.5 (MANE Select); coding-DNA position 1792, C replaced by G.
Protein change: p.Pro598Ala; replaces proline 598 with alanine.
Molecular consequence: missense variant.
Genome position (GRCh38, 1-based): chrX:80,722,646, G>C on the plus strand (C>G on the coding strand, the complement: BRWD3 is on the minus strand). VCF-style: chrX-80722646-G-C. GRCh37 (hg19) VCF-style: chrX-79978145-G-C.
Other names: short protein forms P598A.
Identifiers: ClinVar variation 393049 (VCV000393049.5), dbSNP rs1057524758, ClinGen allele CA16608995.
Genomic context (GRCh38, chrX:80,722,646, plus strand): 5'-GTATAAGCTGTTCATCTTTACAATTTTCCCGTCCTGGTACCAACCGTTGGAATTTTGTGG[G>C]ATGAGGATTTCCATCAACATCCACCAAAAATGGAGGAGGCATGAGGTGAGGAGCTTGTTG-3'
Protein context (NP_694984.5, residues 588-608): FLVDVDGNPH[Pro598Ala]TKFQRLVPGR

ClinVar aggregate classification (germline): Uncertain significance. Review status: criteria provided, multiple submitters, no conflicts (2 of 4 stars). 2 submissions from 2 submitters: Uncertain significance (2). Last evaluated 2021-11-03.

Submissions (2):

Institute for Clinical Genetics, University Hospital TU Dresden, University Hospital TU Dresden
Classification: Uncertain significance. Last evaluated: 2021-11-03. Review status: criteria provided, single submitter. Criteria: ACMG Guidelines, 2015. Collection method: clinical testing. Allele origin: germline.

GeneDx
Classification: Uncertain significance. Last evaluated: 2017-01-26. Review status: criteria provided, single submitter. Criteria: GeneDx Variant Classification (06012015). Collection method: clinical testing. Allele origin: germline. Affected: yes.
Comment: The P598A variant in the BRWD3 gene has not been reported previously as a pathogenic variant, nor as a benign variant, to our knowledge. The P598A variant was not observed in approximately 6500 individuals of European and African American ancestry in the NHLBI Exome Sequencing Project, indicating it is not a common benign variant in these populations. The P598A variant is a semi-conservative amino acid substitution, which may impact secondary protein structure as these residues differ in some properties. This substitution occurs at a position that is conserved across species. In silico analysis predicts this variant is probably damaging to the protein structure/function. We interpret P598A as a variant of uncertain significance.